The following is an entry in ClinVar:

ClinVar aggregate classification (germline): Uncertain significance (1 of 4 stars; one submission).

gnomAD v4.1: 2 of 1,210,647 alleles (0.00017%); highest among the groups gnomAD compares: Non-Finnish European, 0.00011%; no homozygotes.

Submission:

GeneDx
Classification: Uncertain significance. Last evaluated: 2025-01-16. Review status: criteria provided, single submitter. Criteria: GeneDx Variant Classification Process June 2021. Collection method: clinical testing. Allele origin: germline. Affected: yes.
Comment: Not observed at significant frequency in large population cohorts (gnomAD); In silico analysis supports that this missense variant has a deleterious effect on protein structure/function; Has not been previously published as pathogenic or benign to our knowledge

NM_006950.3(SYN1):c.596G>A (p.Arg199His)

Gene: SYN1 (synapsin I; minus strand). Cytogenetic location: Xp11.23.
Variant type: single nucleotide variant.
Coding change: c.596G>A on transcript NM_006950.3 (MANE Select); coding-DNA position 596, G replaced by A.
Protein change: p.Arg199His; replaces arginine 199 with histidine.
Molecular consequence: missense variant.
Genome position (GRCh38, 1-based): chrX:47,605,311, C>T on the plus strand (G>A on the coding strand, the complement: SYN1 is on the minus strand). VCF-style: chrX-47605311-C-T. GRCh37 (hg19) VCF-style: chrX-47464710-C-T.
Other names: c.596G>A, p.Arg199His (NM_133499.2); short protein forms R199H.
Identifiers: ClinVar variation 4077203 (VCV004077203.1).